The following is an entry in ClinVar:

NM_000543.5(SMPD1):c.1091+26G>A

Gene: SMPD1 (sphingomyelin phosphodiesterase 1; plus strand). Cytogenetic location: 11p15.4.
Variant type: single nucleotide variant.
Coding change: c.1091+26G>A on transcript NM_000543.5 (MANE Select); 26 bases into the intron after coding-DNA position 1091, G replaced by A.
Molecular consequence: intron variant. On other transcripts: synonymous variant (1), missense variant (1).
Genome position (GRCh38, 1-based): chr11:6,392,182, G>A. VCF-style: chr11-6392182-G-A. GRCh37 (hg19) VCF-style: chr11-6413412-G-A.
Other names: c.156G>A, p.Arg52= (NM_001318088.2); c.1117G>A, p.Glu373Lys (NM_001365135.2); c.1091+26G>A (NM_001318087.2); c.1088+26G>A (NM_001007593.3); short protein forms E373K.
Identifiers: ClinVar variation 3045725 (VCV003045725.2), dbSNP rs746106776, ClinGen allele CA5852761.

ClinVar aggregate classification (germline): Likely benign (0 of 4 stars; one submission).

Conditions:
SMPD1-related disorder. Also called: SMPD1-related condition.

Allele frequency attached by ClinVar (database versions not stated): gnomAD exomes 0.00001; ExAC 0.00003; gnomAD 0.00004; TOPMed 0.00004.
gnomAD v4.1: 25 of 1,613,900 alleles (0.0015%); highest among the groups gnomAD compares: African/African-American, 0.0027%; no homozygotes.

Submission:

PreventionGenetics, part of Exact Sciences
Classification: Likely benign for SMPD1-related condition. Last evaluated: 2021-12-16. Review status: no assertion criteria provided. Collection method: clinical testing. Allele origin: germline.
Comment: This variant is classified as likely benign based on ACMG/AMP sequence variant interpretation guidelines (Richards et al. 2015 PMID: 25741868, with internal and published modifications).